The following is an entry in ClinVar:

NM_206933.4(USH2A):c.3877G>T (p.Glu1293Ter)

Genes: USH2A (usherin; minus strand), USH2A-AS1 (USH2A antisense RNA 1; plus strand). Cytogenetic location: 1q41.
Variant type: single nucleotide variant.
Coding change: c.3877G>T on transcript NM_206933.4 (MANE Select); coding-DNA position 3877, G replaced by T.
Protein change: p.Glu1293Ter; replaces glutamic acid 1293 with a stop codon.
Molecular consequence: nonsense.
Genome position (GRCh38, 1-based): chr1:216,198,519, C>A on the plus strand (G>T on the coding strand, the complement: USH2A is on the minus strand). VCF-style: chr1-216198519-C-A. GRCh37 (hg19) VCF-style: chr1-216371861-C-A.
Other names: c.3877G>T, p.Glu1293Ter (NM_007123.6); short protein forms E1293*.
Identifiers: ClinVar variation 2743287 (VCV002743287.3), dbSNP rs1232818145, ClinGen allele CA344867275.

ClinVar aggregate classification (germline): Pathogenic (1 of 4 stars; one submission).

gnomAD v4.1: 1 of 1,613,924 alleles (0.000062%); no homozygotes.

Submission:

Labcorp Genetics (formerly Invitae), Labcorp
Classification: Pathogenic. Last evaluated: 2023-07-14. Review status: criteria provided, single submitter. Criteria: Invitae Variant Classification Sherloc (09022015). Collection method: clinical testing. Allele origin: germline.
Comment: This variant has not been reported in the literature in individuals affected with USH2A-related conditions. This variant is present in population databases (no rsID available, gnomAD 0.004%). This sequence change creates a premature translational stop signal (p.Glu1293*) in the USH2A gene. It is expected to result in an absent or disrupted protein product. Loss-of-function variants in USH2A are known to be pathogenic (PMID: 10729113, 10909849, 20507924, 25649381). For these reasons, this variant has been classified as Pathogenic.

Literature cited by the submitters: PubMed 10729113; PubMed 10909849; PubMed 20507924; PubMed 25649381.